The following is an entry in ClinVar:

ClinVar aggregate classification (germline): Likely pathogenic. Review status: criteria provided, multiple submitters, no conflicts (2 of 4 stars). 2 submissions from 2 submitters: Likely pathogenic (2). Last evaluated 2023-12-02.

Submissions (2):

GeneDx
Classification: Likely pathogenic. Last evaluated: 2023-12-02. Review status: criteria provided, single submitter. Criteria: GeneDx Variant Classification Process June 2021. Collection method: clinical testing. Allele origin: germline. Affected: yes.
Comment: Frameshift variant predicted to result in protein truncation, as the last 416 amino acids are replaced with 3 different amino acids, and other loss-of-function variants have been reported downstream in the Human Gene Mutation Database (HGMD); Not observed at significant frequency in large population cohorts (gnomAD); Has not been previously published as pathogenic or benign to our knowledge

Eurofins Ntd Llc (ga)
Classification: Likely pathogenic. Last evaluated: 2017-08-21. Review status: criteria provided, single submitter. Criteria: EGL Classification Definitions 2015. Collection method: clinical testing. Allele origin: germline. Observed: 1 variant allele, 1 heterozygote.

NM_006494.4(ERF):c.397_407del (p.Pro133fs)

Gene: ERF (ETS2 repressor factor; minus strand). Cytogenetic location: 19q13.2.
Variant type: Deletion.
Coding change: c.397_407del on transcript NM_006494.4 (MANE Select); coding-DNA positions 397 to 407, 11 bases deleted (CCGCCAGTGCC).
Protein change: p.Pro133fs; shifts the reading frame from proline 133.
Molecular consequence: frameshift variant.
Genome position (GRCh38, 1-based): chr19:42,249,705-42,249,715, GGCACTGGCGG deleted on the plus strand (CCGCCAGTGCC on the coding strand, the reverse complement: ERF is on the minus strand); deleting any 11 consecutive bases within chr19:42,249,705-42,249,721 gives the same sequence; the c. name uses the placement nearest the transcript's 3' end. VCF-style (leftmost placement, unchanged base first): chr19-42249704-CGGCACTGGCGG-C. GRCh37 (hg19) VCF-style: chr19-42753856-CGGCACTGGCGG-C.
Other names: c.172_182del, p.Pro58fs (NM_001301035.2, NM_001308402.2, NM_001312656.2); c.397_407del (NM_006494.2); short protein forms P133fs, P58fs.
Identifiers: ClinVar variation 593753 (VCV000593753.6), dbSNP rs1568472223, ClinGen allele CA913190966.